The following is an entry in ClinVar:

NM_000090.4(COL3A1):c.119C>T (p.Ala40Val)

Gene: COL3A1 (collagen type III alpha 1 chain; plus strand). Cytogenetic location: 2q32.2.
Variant type: single nucleotide variant.
Coding change: c.119C>T on transcript NM_000090.4 (MANE Select); coding-DNA position 119, C replaced by T.
Protein change: p.Ala40Val; replaces alanine 40 with valine.
Molecular consequence: missense variant.
Genome position (GRCh38, 1-based): chr2:188,984,799, C>T. VCF-style: chr2-188984799-C-T. GRCh37 (hg19) VCF-style: chr2-189849525-C-T.
Other names: p.A40V:GCG>GTG; short protein forms A40V.
Identifiers: ClinVar variation 199690 (VCV000199690.31), dbSNP rs201380807, ClinGen allele CA004121.

ClinVar aggregate classification (germline): Conflicting classifications of pathogenicity. Review status: criteria provided, conflicting classifications (1 of 4 stars). 11 submissions from 11 submitters: Uncertain significance (8); Likely benign (3). Last evaluated 2026-03-04.

Conditions:
Connective tissue disorder. Also called: Connective tissue disease. Identifiers: MedGen C0009782, MONDO:0003900.
Familial thoracic aortic aneurysm and aortic dissection (TAAD). Also called: Thoracic aortic aneurysms and dissections. Identifiers: Orphanet 91387, MedGen C4707243, MONDO:0019625.
Ehlers-Danlos syndrome, type 4 (EDSVASC). Also called: Ehlers-Danlos syndrome vascular type; Ehlers Danlos syndrome, ecchymotic type; Ehlers Danlos syndrome, arterial type; Ehlers Danlos syndrome, Sack-Barabas type; Ehlers-Danlos Syndrome Type IV. Identifiers: Orphanet 286, MedGen C0268338, MONDO:0017314, OMIM 130050.

Allele frequency attached by ClinVar (database versions not stated): TOPMed 0.00001.
gnomAD v4.1: 26 of 1,612,888 alleles (0.0016%); highest among the groups gnomAD compares: East Asian, 0.029%; 1 homozygote.

Submissions (11):

Women's Health and Genetics/Laboratory Corporation of America, LabCorp
Classification: Uncertain significance. Last evaluated: 2026-03-04. Review status: criteria provided, single submitter. Criteria: LabCorp Variant Classification Summary - May 2015. Collection method: clinical testing. Allele origin: germline.
Comment: Variant summary: COL3A1 c.119C>T (p.Ala40Val) results in a non-conservative amino acid change in the encoded protein sequence. Algorithms developed to predict the effect of missense changes on protein structure and function are either unavailable or do not agree on the potential impact of this missense change. The variant allele was found at a frequency of 1.6e-05 in 250932 control chromosomes. The available data on variant occurrences in the general population are insufficient to allow any conclusion about variant significance. c.119C>T has been observed in individuals affected with non-syndromic aortic aneurysm and dissection (e.g. Sakai_2012, Yang_2023). These report(s) do not provide unequivocal conclusions about association of the variant with COL3A1-related conditions. To our knowledge, no experimental evidence demonstrating an impact on protein function has been reported. The following publications have been ascertained in the context of this evaluation (PMID: 22001912, 36517271). ClinVar contains an entry for this variant (Variation ID: 199690). Based on the evidence outlined above, the variant was classified as uncertain significance.

Mayo Clinic Laboratories, Mayo Clinic
Classification: Likely benign. Last evaluated: 2025-09-11. Review status: criteria provided, single submitter. Criteria: ACMG Guidelines, 2015. Collection method: clinical testing. Allele origin: germline. Observed: 1 variant allele.
Comment: BS1, BP4

Color Diagnostics, LLC DBA Color Health
Classification: Uncertain significance for Familial thoracic aortic aneurysm and aortic dissection. Last evaluated: 2025-06-19. Review status: criteria provided, single submitter. Criteria: ACMG Guidelines, 2015. Collection method: clinical testing. Allele origin: germline.
Comment: This missense variant replaces alanine with valine at codon 40 of the COL3A1 protein. Computational prediction suggests that this variant may not impact protein structure and function. To our knowledge, functional studies have not been reported for this variant. This variant has been reported in an individual affected with aortic aneurysm and/or dissection (PMID: 22001912). This variant has been identified in 4/250932 chromosomes in the general population by the Genome Aggregation Database (gnomAD). The available evidence is insufficient to determine the role of this variant in disease conclusively. Therefore, this variant is classified as a Variant of Uncertain Significance.

Labcorp Genetics (formerly Invitae), Labcorp
Classification: Uncertain significance for Ehlers-Danlos syndrome, type 4. Last evaluated: 2025-03-31. Review status: criteria provided, single submitter. Criteria: Invitae Variant Classification Sherloc (09022015). Collection method: clinical testing. Allele origin: germline.
Comment: This sequence change replaces alanine, which is neutral and non-polar, with valine, which is neutral and non-polar, at codon 40 of the COL3A1 protein (p.Ala40Val). This variant is present in population databases (rs201380807, gnomAD 0.02%). This missense change has been observed in individual(s) with aortic aneurysm and/or dissection (PMID: 22001912, 36517271, 37937776). ClinVar contains an entry for this variant (Variation ID: 199690). Invitae Evidence Modeling of protein sequence and biophysical properties (such as structural, functional, and spatial information, amino acid conservation, physicochemical variation, residue mobility, and thermodynamic stability) indicates that this missense variant is not expected to disrupt COL3A1 protein function with a negative predictive value of 95%. In summary, the available evidence is currently insufficient to determine the role of this variant in disease. Therefore, it has been classified as a Variant of Uncertain Significance.

All of Us Research Program, National Institutes of Health
Classification: Uncertain significance for Ehlers-Danlos syndrome, type 4. Last evaluated: 2023-10-02. Review status: criteria provided, single submitter. Criteria: ACMG Guidelines, 2015. Collection method: clinical testing. Allele origin: germline. Inheritance: Autosomal dominant inheritance. Observed: 4 variant alleles, 4 heterozygotes.
Comment: This missense variant replaces alanine with valine at codon 40 of the COL3A1 protein. Computational prediction suggests that this variant may not impact protein structure and function (internally defined REVEL score threshold <= 0.5, PMID: 27666373). Splice site prediction tools suggest that this variant may not impact RNA splicing. To our knowledge, functional studies have not been performed for this variant. This variant has been reported in an individual affected with aortic aneurysm and/or dissection (PMID: 22001912). This variant has been identified in 4/250932 chromosomes in the general population by the Genome Aggregation Database (gnomAD). The available evidence is insufficient to determine the role of this variant in disease conclusively. Therefore, this variant is classified as a Variant of Uncertain Significance.

This study involves interpretation of variants in research participants for the purpose of population health screening. Participant phenotype was not available at the time of variant classification. Additional details can be found in publication PMID: 35346344, PMCID: PMC8962531

GeneDx
Classification: Uncertain significance. Last evaluated: 2023-01-24. Review status: criteria provided, single submitter. Criteria: GeneDx Variant Classification Process June 2021. Collection method: clinical testing. Allele origin: germline. Affected: yes.
Comment: Identified in a patient with non-syndromic thoracic aortic aneurysm/dissection (TAAD) (Sakai et al., 2012); Not observed at significant frequency in large population cohorts (gnomAD); In silico analysis supports that this missense variant does not alter protein structure/function; This variant is associated with the following publications: (PMID: 22001912)

Mendelics
Classification: Uncertain significance. Last evaluated: 2022-05-04. Review status: criteria provided, single submitter. Criteria: Mendelics Assertion Criteria 2019. Collection method: clinical testing. Allele origin: germline.

Blueprint Genetics
Classification: Likely benign. Last evaluated: 2021-05-25. Review status: criteria provided, single submitter. Criteria: ACMG Guidelines, 2015. Collection method: clinical testing. Allele origin: germline.

Illumina Laboratory Services, Illumina
Classification: Likely benign for Ehlers-Danlos syndrome, type 4. Last evaluated: 2017-04-27. Review status: criteria provided, single submitter. Criteria: ICSL Variant Classification Criteria 13 December 2019. Collection method: clinical testing. Allele origin: germline.
Comment: This variant was observed as part of a predisposition screen in an ostensibly healthy population. A literature search was performed for the gene, cDNA change, and amino acid change (where applicable). Publications were found based on this search. The evidence from the literature, in combination with allele frequency data from public databases where available, was sufficient to determine this variant is unlikely to cause disease. Therefore, this variant is classified as likely benign.

Center for Human Genetics, Inc
Classification: Uncertain significance for Connective tissue disorder. Last evaluated: 2016-11-01. Review status: criteria provided, single submitter. Criteria: ACMG Guidelines, 2015. Collection method: clinical testing. Allele origin: germline. Affected: yes.

Laboratory for Molecular Medicine, Mass General Brigham Personalized Medicine
Classification: Uncertain significance. Last evaluated: 2016-03-28. Review status: criteria provided, single submitter. Criteria: LMM Criteria. Collection method: clinical testing. Allele origin: germline.
Comment: Variant identified in a genome or exome case(s) and assessed due to predicted null impact of the variant or pathogenic assertions in the literature or databases. Disclaimer: This variant has not undergone full assessment. The following are preliminary notes: 1 paper, no segs, ExAC: 3/8646 East Asian chromosomes

Literature cited by the submitters: PubMed 22001912 (cited by 6 submitters); PubMed 36517271 (cited by 3 submitters); PubMed 37937776 (cited by Mayo Clinic Laboratories, Mayo Clinic and Labcorp Genetics (formerly Invitae), Labcorp).